The following is an entry in ClinVar:

NM_001040108.2(MLH3):c.3693A>G (p.Ile1231Met)

Gene: MLH3 (mutL homolog 3; minus strand). Cytogenetic location: 14q24.3.
Variant type: single nucleotide variant.
Coding change: c.3693A>G on transcript NM_001040108.2 (MANE Select); coding-DNA position 3693, A replaced by G.
Protein change: p.Ile1231Met; replaces isoleucine 1231 with methionine.
Molecular consequence: missense variant. On other transcripts: intron variant (1).
Genome position (GRCh38, 1-based): chr14:75,033,441, T>C on the plus strand (A>G on the coding strand, the complement: MLH3 is on the minus strand). VCF-style: chr14-75033441-T-C. GRCh37 (hg19) VCF-style: chr14-75500144-T-C.
Other names: c.3644-1262A>G (NM_014381.3); short protein forms I1231M.
Identifiers: ClinVar variation 3873487 (VCV003873487.1).

ClinVar aggregate classification (germline): Uncertain significance (1 of 4 stars; one submission).

Submission:

Ambry Genetics
Classification: Uncertain significance. Last evaluated: 2025-01-04. Review status: criteria provided, single submitter. Criteria: Ambry Variant Classification Scheme 2023. Collection method: clinical testing. Allele origin: germline.
Comment: The p.I1231M variant (also known as c.3693A>G), located in coding exon 6 of the MLH3 gene, results from an A to G substitution at nucleotide position 3693. The isoleucine at codon 1231 is replaced by methionine, an amino acid with highly similar properties. This amino acid position is conserved. In addition, this alteration is predicted to be tolerated by in silico analysis. Based on the available evidence, the clinical significance of this variant remains unclear.